The following is an entry in ClinVar:

ClinVar aggregate classification (germline): Uncertain significance (1 of 4 stars; one submission).

Conditions:
Autosomal dominant hypocalcemia 1 (HYPOC1). Also called: HYPOCALCEMIA, FAMILIAL. Identifiers: MedGen C3715128, MONDO:0011013, OMIM 601198.
Familial hypocalciuric hypercalcemia (FHH). Also called: Familial benign hypercalcemia. Identifiers: Orphanet 405, MedGen C1809471, MONDO:0018458.

Submission:

Labcorp Genetics (formerly Invitae), Labcorp
Classification: Uncertain significance for Familial hypocalciuric hypercalcemia; Autosomal dominant hypocalcemia 1. Last evaluated: 2024-09-19. Review status: criteria provided, single submitter. Criteria: Invitae Variant Classification Sherloc (09022015). Collection method: clinical testing. Allele origin: germline.
Comment: This sequence change replaces valine, which is neutral and non-polar, with leucine, which is neutral and non-polar, at codon 455 of the CASR protein (p.Val455Leu). This variant is not present in population databases (gnomAD no frequency). This variant has not been reported in the literature in individuals affected with CASR-related conditions. ClinVar contains an entry for this variant (Variation ID: 1439719). An algorithm developed to predict the effect of missense changes on protein structure and function (PolyPhen-2) suggests that this variant is likely to be tolerated. In summary, the available evidence is currently insufficient to determine the role of this variant in disease. Therefore, it has been classified as a Variant of Uncertain Significance.

NM_000388.4(CASR):c.1363G>C (p.Val455Leu)

Gene: CASR (calcium sensing receptor; plus strand). Cytogenetic location: 3q21.1.
Variant type: single nucleotide variant.
Coding change: c.1363G>C on transcript NM_000388.4 (MANE Select); coding-DNA position 1363, G replaced by C.
Protein change: p.Val455Leu; replaces valine 455 with leucine.
Molecular consequence: missense variant.
Genome position (GRCh38, 1-based): chr3:122,262,398, G>C. VCF-style: chr3-122262398-G-C. GRCh37 (hg19) VCF-style: chr3-121981245-G-C.
Other names: c.1363G>C, p.Val455Leu (NM_001178065.2); short protein forms V455L.
Identifiers: ClinVar variation 1439719 (VCV001439719.6), dbSNP rs2107633315, ClinGen allele CA354153348.